The following is an entry in ClinVar:

ClinVar aggregate classification (germline): Pathogenic (1 of 4 stars; one submission).

Submission:

Labcorp Genetics (formerly Invitae), Labcorp
Classification: Pathogenic. Last evaluated: 2022-07-18. Review status: criteria provided, single submitter. Criteria: Invitae Variant Classification Sherloc (09022015). Collection method: clinical testing. Allele origin: germline.
Comment: This sequence change creates a premature translational stop signal (p.Asn1274Profs*104) in the PIEZO2 gene. It is expected to result in an absent or disrupted protein product. Loss-of-function variants in PIEZO2 are known to be pathogenic (PMID: 27653382, 27843126). This variant is not present in population databases (gnomAD no frequency). This variant has not been reported in the literature in individuals affected with PIEZO2-related conditions. For these reasons, this variant has been classified as Pathogenic.

Literature cited by the submitters: PubMed 27653382; PubMed 27843126.

NM_001378183.1(PIEZO2):c.3895_3896del (p.Asn1299fs)

Gene: PIEZO2 (piezo type mechanosensitive ion channel component 2; minus strand). Cytogenetic location: 18p11.22.
Variant type: Deletion.
Coding change: c.3895_3896del on transcript NM_001378183.1 (MANE Select); coding-DNA positions 3895 to 3896, 2 bases deleted (AA; older notation c.3895_3896delAA).
Protein change: p.Asn1299fs; shifts the reading frame from asparagine 1299.
Molecular consequence: frameshift variant.
Genome position (GRCh38, 1-based): chr18:10,757,996-10,757,997, TT deleted on the plus strand (AA on the coding strand, the reverse complement: PIEZO2 is on the minus strand). VCF-style (leftmost placement, unchanged base first): chr18-10757995-GTT-G. GRCh37 (hg19) VCF-style: chr18-10757993-GTT-G.
Other names: c.3895_3896delAA, p.Asn1299Profs (NM_001410871.1); c.3820_3821del, p.Asn1274fs (NM_022068.4); short protein forms N1299fs, N1274fs.
Identifiers: ClinVar variation 2041762 (VCV002041762.1), dbSNP rs2510637362, ClinGen allele CA2580095555.